The following is an entry in ClinVar:

ClinVar aggregate classification (germline): Uncertain significance (1 of 4 stars; one submission).

Conditions:
Myofibrillar myopathy 5. Also called: FILAMINOPATHY, AUTOSOMAL DOMINANT; Filaminopathy (type). Identifiers: Orphanet 171445, MedGen C1836050, MONDO:0012289, OMIM 609524.
Distal myopathy with posterior leg and anterior hand involvement. Also called: WILLIAMS DISTAL MYOPATHY. Identifiers: Orphanet 63273, MedGen C3279722, MONDO:0013550, OMIM 614065.
Hypertrophic cardiomyopathy 26. Also called: Cardiomyopathy, familial hypertrophic, 26. Identifiers: Orphanet 75249, MedGen C4310749, MONDO:0014883, OMIM 617047.

Submission:

Labcorp Genetics (formerly Invitae), Labcorp
Classification: Uncertain significance for Distal myopathy with posterior leg and anterior hand involvement; Myofibrillar myopathy 5; Hypertrophic cardiomyopathy 26. Last evaluated: 2023-08-30. Review status: criteria provided, single submitter. Criteria: Invitae Variant Classification Sherloc (09022015). Collection method: clinical testing. Allele origin: germline.
Comment: This sequence change replaces isoleucine, which is neutral and non-polar, with threonine, which is neutral and polar, at codon 1946 of the FLNC protein (p.Ile1946Thr). This variant is not present in population databases (gnomAD no frequency). This variant has not been reported in the literature in individuals affected with FLNC-related conditions. ClinVar contains an entry for this variant (Variation ID: 854855). Advanced modeling of protein sequence and biophysical properties (such as structural, functional, and spatial information, amino acid conservation, physicochemical variation, residue mobility, and thermodynamic stability) has been performed at Invitae for this missense variant, however the output from this modeling did not meet the statistical confidence thresholds required to predict the impact of this variant on FLNC protein function. In summary, the available evidence is currently insufficient to determine the role of this variant in disease. Therefore, it has been classified as a Variant of Uncertain Significance.

NM_001458.5(FLNC):c.5837T>C (p.Ile1946Thr)

Genes: FLNC (filamin C; plus strand), FLNC-AS1 (FLNC antisense RNA 1; minus strand). Cytogenetic location: 7q32.1.
Variant type: single nucleotide variant.
Coding change: c.5837T>C on transcript NM_001458.5 (MANE Select); coding-DNA position 5837, T replaced by C.
Protein change: p.Ile1946Thr; replaces isoleucine 1946 with threonine.
Molecular consequence: missense variant.
Genome position (GRCh38, 1-based): chr7:128,851,623, T>C. VCF-style: chr7-128851623-T-C. GRCh37 (hg19) VCF-style: chr7-128491677-T-C.
Other names: c.5738T>C, p.Ile1913Thr (NM_001127487.2); short protein forms I1913T, I1946T.
Identifiers: ClinVar variation 854855 (VCV000854855.10), dbSNP rs1808818903, ClinGen allele CA369208670.